The following is an entry in ClinVar:

ClinVar aggregate classification (germline): Pathogenic. Review status: criteria provided, multiple submitters, no conflicts (2 of 4 stars). 2 submissions from 2 submitters: Pathogenic (2). Last evaluated 2023-09-14.

Conditions:
Hereditary cancer-predisposing syndrome. Also called: Tumor predisposition; Neoplastic Syndromes, Hereditary; Hereditary neoplastic syndrome; Hereditary Cancer Syndrome. Identifiers: Orphanet 140162, MedGen C0027672, MeSH D009386, MONDO:0015356.
Familial cancer of breast. Also called: hereditary breast carcinoma; BREAST CANCER, FAMILIAL; Hereditary breast cancer. Identifiers: Orphanet 227535, MedGen C0346153, MONDO:0016419, OMIM 114480. Disease mechanism: loss of function.

Submissions (2):

Myriad Genetics, Inc.
Classification: Pathogenic for Familial cancer of breast. Last evaluated: 2023-09-14. Review status: criteria provided, single submitter. Criteria: Myriad Autosomal Dominant, Autosomal Recessive and X-Linked Classification Criteria (2023). Collection method: clinical testing. Allele origin: unknown.
Comment: This variant is considered pathogenic. This variant creates a frameshift predicted to result in premature protein truncation.

Color Diagnostics, LLC DBA Color Health
Classification: Pathogenic for Hereditary cancer-predisposing syndrome. Last evaluated: 2022-03-23. Review status: criteria provided, single submitter. Criteria: ACMG Guidelines, 2015. Collection method: clinical testing. Allele origin: germline.
Comment: This variant deletes 5 nucleotides and inserts 4 nucleotides in exon 19 of the PALB2 gene, creating a frameshift and premature translation stop signal. This variant is expected to result in an absent or non-functional protein product. This variant has not been reported in individuals affected with hereditary cancer in the literature. This variant has not been identified in the general population by the Genome Aggregation Database (gnomAD). Loss of PALB2 function is a known mechanism of disease. Based on the available evidence, this variant is classified as Pathogenic.

NM_024675.4(PALB2):c.3249_3253delinsAGCC

Gene: PALB2 (partner and localizer of BRCA2; minus strand). Cytogenetic location: 16p12.2.
Variant type: Indel.
Coding change: c.3249_3253delinsAGCC on transcript NM_024675.4 (MANE Select); coding-DNA positions 3249 to 3253, GTCGT replaced by AGCC.
Genome position (GRCh38, 1-based): chr16:23,607,961-23,607,965, ACGAC replaced by GGCT on the plus strand (GTCGT replaced by AGCC on the coding strand, the reverse complement: PALB2 is on the minus strand). VCF-style: chr16-23607961-ACGAC-GGCT. GRCh37 (hg19) VCF-style: chr16-23619282-ACGAC-GGCT.
Other names: c.3249_3253delinsAGCC, p.Ser1084fs (LRG_308t1).
Identifiers: ClinVar variation 630713 (VCV000630713.5), dbSNP rs1567206909, ClinGen allele CA913188704.